The following is an entry in ClinVar:

ClinVar aggregate classification (germline): Conflicting classifications of pathogenicity. Review status: criteria provided, conflicting classifications (1 of 4 stars). 7 submissions from 7 submitters: Uncertain significance (6); Likely benign (1). Last evaluated 2025-11-11.

Conditions:
Hereditary breast ovarian cancer syndrome. Also called: Hereditary breast and ovarian cancer syndrome (HBOC); Hereditary breast and/or ovarian cancer syndrome; BRCA1- and BRCA2-Associated Hereditary Breast and Ovarian Cancer; Breast and ovarian cancer; Hereditary breast and ovarian cancer syndrome; Hereditary breast and ovarian cancer. Identifiers: Orphanet 145, MedGen C0677776, MeSH D061325, MONDO:0003582. Disease mechanism: loss of function.
Hereditary cancer-predisposing syndrome. Also called: Hereditary neoplastic syndrome; Hereditary Cancer Syndrome; Neoplastic Syndromes, Hereditary; Tumor predisposition. Identifiers: Orphanet 140162, MedGen C0027672, MeSH D009386, MONDO:0015356.

Allele frequency attached by ClinVar (database versions not stated): gnomAD 0.00001 and 0.00004; TOPMed 0.00002; gnomAD exomes 0.00006 and 0.00011; ExAC 0.00007; 1000 Genomes Project 30x 0.00016; 1000 Genomes Project 0.00020.
gnomAD v4.1: 167 of 1,612,906 alleles (0.01%); highest among the groups gnomAD compares: East Asian, 0.35%; no homozygotes.

Submissions (7):

Labcorp Genetics (formerly Invitae), Labcorp
Classification: Uncertain significance. Last evaluated: 2025-11-11. Review status: criteria provided, single submitter. Criteria: Invitae Variant Classification Sherloc (09022015). Collection method: clinical testing. Allele origin: germline.
Comment: This sequence change replaces histidine, which is basic and polar, with arginine, which is basic and polar, at codon 461 of the RECQL protein (p.His461Arg). This variant is present in population databases (rs201573409, gnomAD 0.06%). This missense change has been observed in individual(s) with breast cancer (PMID: 25945795, 27125668, 32443704). ClinVar contains an entry for this variant (Variation ID: 584807). Invitae Evidence Modeling of protein sequence and biophysical properties (such as structural, functional, and spatial information, amino acid conservation, physicochemical variation, residue mobility, and thermodynamic stability) indicates that this missense variant is expected to disrupt RECQL protein function with a positive predictive value of 80%. In summary, the available evidence is currently insufficient to determine the role of this variant in disease. Therefore, it has been classified as a Variant of Uncertain Significance.

Quest Diagnostics Nichols Institute San Juan Capistrano
Classification: Uncertain significance. Last evaluated: 2024-10-27. Review status: criteria provided, single submitter. Criteria: Quest Diagnostics criteria. Collection method: clinical testing. Allele origin: unknown.
Comment: The RECQL c.1382A>G (p.His461Arg) variant has been reported in individuals with breast cancer as well as in reportedly healthy individuals (PMIDs: 33471991 (2021), see also LOVD, 27125668 (2016), 25945795 (2015)). Additionally, the variant showed helicase activity (PMID: 25945795 (2015)). The frequency of this variant in the general population, 0.0006 (11/18376 chromosomes in East Asian subpopulation (Genome Aggregation Database)), is higher than would generally be expected for pathogenic variants in this gene. Analysis of this variant using bioinformatics tools for the prediction of the effect of amino acid changes on protein structure and function yielded predictions that this variant is damaging. Based on the available information, we are unable to determine the clinical significance of this variant.

Blueprint Genetics
Classification: Uncertain significance. Last evaluated: 2024-07-03. Review status: criteria provided, single submitter. Criteria: ACMG Guidelines, 2015. Collection method: clinical testing. Allele origin: germline.

GeneDx
Classification: Uncertain significance. Last evaluated: 2024-02-05. Review status: criteria provided, single submitter. Criteria: GeneDx Variant Classification Process June 2021. Collection method: clinical testing. Allele origin: germline. Affected: yes.
Comment: Variants in candidate genes are classified as variants of uncertain significance in accordance with ACMG guidelines (PMID: 25741868); Observed in individuals with breast cancer, but also observed in healthy controls (PMID: 25945795, 27125668); Published functional studies demonstrate no damaging effect: helicase activity similar to wild type (PMID: 25945795); In silico analysis supports that this missense variant has a deleterious effect on protein structure/function; This variant is associated with the following publications: (PMID: 26455304, 32566746, 27125668, 27248010, 19151156, 25945795, 36922933)

Ambry Genetics
Classification: Likely benign. Last evaluated: 2020-09-17. Review status: criteria provided, single submitter. Criteria: Ambry Variant Classification Scheme 2023. Collection method: clinical testing. Allele origin: germline.

Cancer Genomics Group, Japanese Foundation For Cancer Research
Classification: Uncertain significance for Hereditary breast and ovarian cancer syndrome. Last evaluated: 2019-05-01. Review status: criteria provided, single submitter. Criteria: ACMG Guidelines, 2015. Collection method: research. Allele origin: germline. Affected: yes.

Mendelics
Classification: Uncertain significance for Hereditary cancer-predisposing syndrome. Last evaluated: 2018-07-02. Review status: criteria provided, single submitter. Criteria: Mendelics Assertion Criteria 2017. Collection method: clinical testing. Allele origin: unknown.

Literature cited by the submitters: PubMed 25945795 (cited by Labcorp Genetics (formerly Invitae), Labcorp and Quest Diagnostics Nichols Institute San Juan Capistrano); PubMed 27125668 (cited by Labcorp Genetics (formerly Invitae), Labcorp and Quest Diagnostics Nichols Institute San Juan Capistrano); PubMed 32443704 (cited by Labcorp Genetics (formerly Invitae), Labcorp and Quest Diagnostics Nichols Institute San Juan Capistrano); PubMed 33471991 (cited by Quest Diagnostics Nichols Institute San Juan Capistrano).

NM_002907.4(RECQL):c.1382A>G (p.His461Arg)

Gene: RECQL (RecQ like helicase; minus strand). Cytogenetic location: 12p12.1.
Variant type: single nucleotide variant.
Coding change: c.1382A>G on transcript NM_002907.4 (MANE Select); coding-DNA position 1382, A replaced by G.
Protein change: p.His461Arg; replaces histidine 461 with arginine.
Molecular consequence: missense variant.
Genome position (GRCh38, 1-based): chr12:21,473,616, T>C on the plus strand (A>G on the coding strand, the complement: RECQL is on the minus strand). VCF-style: chr12-21473616-T-C. GRCh37 (hg19) VCF-style: chr12-21626550-T-C.
Other names: c.1382A>G, p.His461Arg (NM_032941.3); short protein forms H461R.
Identifiers: ClinVar variation 584807 (VCV000584807.19), dbSNP rs201573409, ClinGen allele CA6478761.